The following is an entry in ClinVar:

ClinVar aggregate classification (germline): Likely pathogenic. Review status: criteria provided, multiple submitters, no conflicts (2 of 4 stars). 2 submissions from 2 submitters: Likely pathogenic (2). Last evaluated 2023-12-19.

Conditions:
TOPORS-related disorder. Also called: TOPORS-related condition.

Submissions (2):

Labcorp Genetics (formerly Invitae), Labcorp
Classification: Likely pathogenic. Last evaluated: 2023-12-19. Review status: criteria provided, single submitter. Criteria: Invitae Variant Classification Sherloc (09022015). Collection method: clinical testing. Allele origin: germline.
Comment: This sequence change creates a premature translational stop signal (p.Gln811*) in the TOPORS gene. While this is not anticipated to result in nonsense mediated decay, it is expected to disrupt the last 235 amino acid(s) of the TOPORS protein. This variant is not present in population databases (gnomAD no frequency). This premature translational stop signal has been observed in individual(s) with retinitis pigmentosa (PMID: 31054281). This variant is located in a region of the TOPORS protein where a significant number of TOPORS nonsense and frameshift mutations have been reported in association with autosomal dominant retinitis pigmentosa (PMID: 35579903, 17924349, 32531858). In summary, the currently available evidence indicates that the variant is pathogenic, but additional data are needed to prove that conclusively. Therefore, this variant has been classified as Likely Pathogenic.

Blueprint Genetics
Classification: Likely pathogenic for TOPORS-related disorders. Last evaluated: 2023-07-04. Review status: criteria provided, single submitter. Criteria: ACMG Guidelines, 2015. Collection method: clinical testing. Allele origin: germline. Affected: yes. Observed: 1 variant allele.

Literature cited by the submitters: PubMed 31054281 (cited by Labcorp Genetics (formerly Invitae), Labcorp); PubMed 35579903 (cited by Labcorp Genetics (formerly Invitae), Labcorp); PubMed 17924349 (cited by Labcorp Genetics (formerly Invitae), Labcorp); PubMed 32531858 (cited by Labcorp Genetics (formerly Invitae), Labcorp).

NM_005802.5(TOPORS):c.2431C>T (p.Gln811Ter)

Gene: TOPORS (TOP1 binding arginine/serine rich protein, E3 ubiquitin ligase; minus strand). Cytogenetic location: 9p21.1.
Variant type: single nucleotide variant.
Coding change: c.2431C>T on transcript NM_005802.5 (MANE Select); coding-DNA position 2431, C replaced by T.
Protein change: p.Gln811Ter; replaces glutamine 811 with a stop codon.
Molecular consequence: nonsense.
Genome position (GRCh38, 1-based): chr9:32,542,094, G>A on the plus strand (C>T on the coding strand, the complement: TOPORS is on the minus strand). VCF-style: chr9-32542094-G-A. GRCh37 (hg19) VCF-style: chr9-32542092-G-A.
Other names: c.2236C>T, p.Gln746Ter (NM_001195622.2); short protein forms Q746*, Q811*.
Identifiers: ClinVar variation 2972629 (VCV002972629.4), dbSNP rs762975517, ClinGen allele CA373163609.
Genomic context (GRCh38, chr9:32,542,094, plus strand): 5'-TTGATGAAGATTTTTGGTAATGACTGTCCTTTGCTTTAGAAGCAAATTCACGAGATGGCT[G>A]AGCCACTTCGTTAGTACCCTCCAAATGCCGTGTTTTGTATTTTCGTTTCCCTCCAGGCTT-3'